The following is an entry in ClinVar:

NM_015015.3(KDM4B):c.2367G>A (p.Ala789=)

Gene: KDM4B (lysine demethylase 4B; plus strand). Cytogenetic location: 19p13.3.
Variant type: single nucleotide variant.
Coding change: c.2367G>A on transcript NM_015015.3 (MANE Select); coding-DNA position 2367, G replaced by A.
Protein change: p.Ala789=; no amino-acid change (alanine 789 retained).
Molecular consequence: synonymous variant.
Genome position (GRCh38, 1-based): chr19:5,137,320, G>A. VCF-style: chr19-5137320-G-A. GRCh37 (hg19) VCF-style: chr19-5137331-G-A.
Other names: c.2469G>A, p.Ala823= (NM_001411148.1); c.2367G>A (NM_015015.2).
Identifiers: ClinVar variation 4533927 (VCV004533927.7).

ClinVar aggregate classification (germline): Likely benign. Review status: criteria provided, multiple submitters, no conflicts (2 of 4 stars). 2 submissions from 2 submitters: Likely benign (2). Last evaluated 2025-11-01.

Conditions:
KDM4B-related disorder. Also called: KDM4B-related condition.

gnomAD v4.1: 256 of 1,574,304 alleles (0.016%); highest among the groups gnomAD compares: African/African-American, 0.26%; 1 homozygote.

Submissions (2):

CeGaT Center for Human Genetics Tuebingen
Classification: Likely benign. Last evaluated: 2025-11-01. Review status: criteria provided, single submitter. Criteria: CeGaT Center For Human Genetics Tuebingen Variant Classification Criteria Version 2. Collection method: clinical testing. Allele origin: germline. Affected: yes. Observed: 1 variant allele.
Comment: KDM4B: BP4, BP7

PreventionGenetics, part of Exact Sciences
Classification: Likely benign for KDM4B-related condition. Last evaluated: 2025-09-12. Review status: criteria provided, single submitter. Criteria: ACMG Guidelines, 2015. Collection method: clinical testing. Allele origin: germline.
Comment: This variant is classified as likely benign based on ACMG/AMP sequence variant interpretation guidelines (Richards et al. 2015 PMID: 25741868, with internal and published modifications).